The following is an entry in ClinVar:

NM_000287.4(PEX6):c.352C>T (p.Pro118Ser)

Gene: PEX6 (peroxisomal biogenesis factor 6; minus strand). Cytogenetic location: 6p21.1.
Variant type: single nucleotide variant.
Coding change: c.352C>T on transcript NM_000287.4 (MANE Select); coding-DNA position 352, C replaced by T.
Protein change: p.Pro118Ser; replaces proline 118 with serine.
Molecular consequence: missense variant. On other transcripts: non-coding transcript variant (1).
Genome position (GRCh38, 1-based): chr6:42,978,799, G>A on the plus strand (C>T on the coding strand, the complement: PEX6 is on the minus strand). VCF-style: chr6-42978799-G-A. GRCh37 (hg19) VCF-style: chr6-42946537-G-A.
Other names: c.352C>T, p.Pro118Ser (NM_001316313.2); short protein forms P118S.
Identifiers: ClinVar variation 1898467 (VCV001898467.3), dbSNP rs1040900085, ClinGen allele CA138238421.

ClinVar aggregate classification (germline): Uncertain significance (1 of 4 stars; one submission).

Conditions:
Peroxisome biogenesis disorder. Identifiers: Orphanet 79189, MedGen C1832200, MONDO:0019234. Disease mechanism: loss of function.

Allele frequency attached by ClinVar (database versions not stated): gnomAD exomes below 0.00001; gnomAD 0.00001; TOPMed 0.00001.
gnomAD v4.1: 2 of 1,533,754 alleles (0.00013%); highest among the groups gnomAD compares: Middle Eastern, 0.022%; no homozygotes.

Submission:

Labcorp Genetics (formerly Invitae), Labcorp
Classification: Uncertain significance for Peroxisome biogenesis disorder. Last evaluated: 2024-07-22. Review status: criteria provided, single submitter. Criteria: Invitae Variant Classification Sherloc (09022015). Collection method: clinical testing. Allele origin: germline.
Comment: This sequence change replaces proline, which is neutral and non-polar, with serine, which is neutral and polar, at codon 118 of the PEX6 protein (p.Pro118Ser). This variant is not present in population databases (gnomAD no frequency). This variant has not been reported in the literature in individuals affected with PEX6-related conditions. ClinVar contains an entry for this variant (Variation ID: 1898467). An algorithm developed to predict the effect of missense changes on protein structure and function (PolyPhen-2) suggests that this variant¬†is likely to be tolerated. In summary, the available evidence is currently insufficient to determine the role of this variant in disease. Therefore, it has been classified as a Variant of Uncertain Significance.